The following is an entry in ClinVar:

ClinVar aggregate classification (germline): Pathogenic (1 of 4 stars; one submission).

Conditions:
Hereditary pancreatitis (PCTT). Also called: Hereditary chronic pancreatitis; PRSS1-Related Hereditary Pancreatitis. Identifiers: Orphanet 676, MedGen C0238339, MONDO:0008185, OMIM 167800.
Congenital bilateral aplasia of vas deferens from CFTR mutation (CBAVD). Identifiers: Orphanet 48, MedGen C0403814, MONDO:0010178, OMIM 277180. Disease mechanism: loss of function.
Cystic fibrosis (CF). Also called: MUCOVISCIDOSIS. Identifiers: Orphanet 586, MedGen C0010674, MONDO:0009061, OMIM 219700. Disease mechanism: loss of function.
Bronchiectasis with or without elevated sweat chloride 1 (BESC1). Also called: Cystic Fibrosis-Like Syndrome. Identifiers: Orphanet 60033, MedGen C2749757, MONDO:0008887, OMIM 211400.

Submission:

Juno Genomics, Hangzhou Juno Genomics, Inc
Classification: Pathogenic for Bronchiectasis with or without elevated sweat chloride 1; Hereditary pancreatitis; Congenital bilateral aplasia of vas deferens from CFTR mutation; Cystic fibrosis. Review status: criteria provided, single submitter. Criteria: ACMG Guidelines, 2015. Collection method: clinical testing. Allele origin: germline.
Comment: Absent from controls (or at extremely low frequency if recessive) in Genome Aggregation Database.;Null variant in a gene where loss of function (LOF) is a known mechanism of disease.;For recessive disorders, detected in trans with a pathogenic variant.;Patient's phenotype or family history is highly specific for a disease with a single genetic etiology.

NM_000492.4(CFTR):c.222del (p.Arg75fs)

Gene: CFTR (CF transmembrane conductance regulator; plus strand). Cytogenetic location: 7q31.2.
Variant type: Deletion.
Coding change: c.222del on transcript NM_000492.4 (MANE Select); coding-DNA position 222, one base deleted (G; older notation c.222delG).
Protein change: p.Arg75fs; shifts the reading frame from arginine 75.
Molecular consequence: frameshift variant.
Genome position (GRCh38, 1-based): chr7:117,509,091, G deleted; the last of 2 consecutive G bases (chr7:117,509,090-117,509,091); deleting either gives the same sequence. VCF-style (leftmost placement, unchanged base first): chr7-117509089-CG-C. GRCh37 (hg19) VCF-style: chr7-117149143-CG-C.
Other names: short protein forms R75fs.
Identifiers: ClinVar variation 5007684 (VCV005007684.2).